The following is an entry in ClinVar:

NM_001271.4(CHD2):c.4051A>G (p.Lys1351Glu)

Gene: CHD2 (chromodomain helicase DNA binding protein 2; plus strand). Cytogenetic location: 15q26.1.
Variant type: single nucleotide variant.
Coding change: c.4051A>G on transcript NM_001271.4 (MANE Select); coding-DNA position 4051, A replaced by G.
Protein change: p.Lys1351Glu; replaces lysine 1351 with glutamic acid.
Molecular consequence: missense variant.
Genome position (GRCh38, 1-based): chr15:93,000,554, A>G. VCF-style: chr15-93000554-A-G. GRCh37 (hg19) VCF-style: chr15-93543784-A-G.
Other names: short protein forms K1351E.
Identifiers: ClinVar variation 2705057 (VCV002705057.3), dbSNP rs2505599330, ClinGen allele CA393900382.

ClinVar aggregate classification (germline): Uncertain significance (1 of 4 stars; one submission).

Conditions:
Developmental and epileptic encephalopathy 94 (DEE94). Also called: CHD2-Related Neurodevelopmental Disorders; Epileptic encephalopathy, childhood-onset. Identifiers: Orphanet 1942, Orphanet 2382, MedGen C3809278, MONDO:0014150, OMIM 615369.

Allele frequency attached by ClinVar (database versions not stated): gnomAD exomes below 0.00001.
gnomAD v4.1: 1 of 1,613,712 alleles (0.000062%); highest among the groups gnomAD compares: Non-Finnish European, 0.000085%; no homozygotes.

Submission:

Labcorp Genetics (formerly Invitae), Labcorp
Classification: Uncertain significance for Developmental and epileptic encephalopathy 94. Last evaluated: 2024-12-02. Review status: criteria provided, single submitter. Criteria: Invitae Variant Classification Sherloc (09022015). Collection method: clinical testing. Allele origin: germline.
Comment: This sequence change replaces lysine, which is basic and polar, with glutamic acid, which is acidic and polar, at codon 1351 of the CHD2 protein (p.Lys1351Glu). This variant is not present in population databases (gnomAD no frequency). This variant has not been reported in the literature in individuals affected with CHD2-related conditions. ClinVar contains an entry for this variant (Variation ID: 2705057). Invitae Evidence Modeling of protein sequence and biophysical properties (such as structural, functional, and spatial information, amino acid conservation, physicochemical variation, residue mobility, and thermodynamic stability) indicates that this missense variant is not expected to disrupt CHD2 protein function with a negative predictive value of 95%. In summary, the available evidence is currently insufficient to determine the role of this variant in disease. Therefore, it has been classified as a Variant of Uncertain Significance.